The following is an entry in ClinVar:

ClinVar aggregate classification (germline): Uncertain significance. Review status: criteria provided, multiple submitters, no conflicts (2 of 4 stars). 4 submissions from 4 submitters: Uncertain significance (3). 1 of the submissions does not count toward it. Last evaluated 2022-08-20.

Conditions:
Cardiovascular phenotype. Identifiers: MedGen CN230736.
Alstrom syndrome (ALMS). Identifiers: Orphanet 64, MedGen C0268425, MONDO:0008763, OMIM 203800.

Allele frequency attached by ClinVar (database versions not stated): gnomAD exomes 0.00001; TOPMed 0.00002.
gnomAD v4.1: 9 of 1,614,218 alleles (0.00056%); highest among the groups gnomAD compares: Non-Finnish European, 0.00076%; no homozygotes.

Submissions (4):

Labcorp Genetics (formerly Invitae), Labcorp
Classification: Uncertain significance for Alstrom syndrome. Last evaluated: 2022-08-20. Review status: criteria provided, single submitter. Criteria: Invitae Variant Classification Sherloc (09022015). Collection method: clinical testing. Allele origin: germline.
Comment: This sequence change replaces glutamine, which is neutral and polar, with arginine, which is basic and polar, at codon 3127 of the ALMS1 protein (p.Gln3127Arg). This variant is not present in population databases (gnomAD no frequency). This variant has not been reported in the literature in individuals affected with ALMS1-related conditions. ClinVar contains an entry for this variant (Variation ID: 452874). Experimental studies and prediction algorithms are not available or were not evaluated, and the functional significance of this variant is currently unknown. In summary, the available evidence is currently insufficient to determine the role of this variant in disease. Therefore, it has been classified as a Variant of Uncertain Significance.

Ambry Genetics
Classification: Uncertain significance for Cardiovascular phenotype. Last evaluated: 2020-01-29. Review status: criteria provided, single submitter. Criteria: Ambry Variant Classification Scheme 2023. Collection method: clinical testing. Allele origin: germline.
Comment: The p.Q3127R variant (also known as c.9380A>G), located in coding exon 10 of the ALMS1 gene, results from an A to G substitution at nucleotide position 9380. The glutamine at codon 3127 is replaced by arginine, an amino acid with highly similar properties. This amino acid position is well conserved in available vertebrate species. In addition, the in silico prediction for this alteration is inconclusive. Since supporting evidence is limited at this time, the clinical significance of this alteration remains unclear.

GeneDx
Classification: Uncertain significance. Last evaluated: 2017-10-30. Review status: criteria provided, single submitter. Criteria: GeneDx Variant Classification (06012015). Collection method: clinical testing. Allele origin: germline. Affected: yes.
Comment: The Q3127R variant in the ALMS1 gene has not been reported previously as a pathogenic variant, nor as a benign variant, to our knowledge. The Q3127R variant is not observed in large population cohorts (Lek et al., 2016). The Q3127R variant is a semi-conservative amino acid substitution, which may impact secondary protein structure as these residues differ in some properties. However, this substitution occurs at a position that is not conserved, and in silico analysis predicts this variant likely does not alter the protein structure/function. We interpret Q3127R as a variant of uncertain significance.

Natera, Inc.
Classification: Uncertain significance for Alstrom syndrome. Last evaluated: 2021-07-05. Review status: no assertion criteria provided. Collection method: clinical testing. Allele origin: germline. Not counted in ClinVar's aggregate classification.

NM_001378454.1(ALMS1):c.9377A>G (p.Gln3126Arg)

Gene: ALMS1 (ALMS1 centrosome and basal body associated protein; plus strand). Cytogenetic location: 2p13.1.
Variant type: single nucleotide variant.
Coding change: c.9377A>G on transcript NM_001378454.1 (MANE Select); coding-DNA position 9377, A replaced by G.
Protein change: p.Gln3126Arg; replaces glutamine 3126 with arginine.
Molecular consequence: missense variant.
Genome position (GRCh38, 1-based): chr2:73,491,336, A>G. VCF-style: chr2-73491336-A-G. GRCh37 (hg19) VCF-style: chr2-73718463-A-G.
Other names: c.9380A>G, p.Gln3127Arg (NM_015120.4); short protein forms Q3127R, Q3126R.
Identifiers: ClinVar variation 452874 (VCV000452874.7), dbSNP rs1553409872, ClinGen allele CA347274498.
Genomic context (GRCh38, chr2:73,491,336, plus strand): 5'-CTGTAGCACAGGATCAAGAATCTTTAGGTTTTCTAGGACCTAAATCTTCACTGGATTTCC[A>G]AGTCGTACAGCCTTCTCTTCCAGACAGTAACACTATTACTCAGGACTTGAAAACCATACC-3'
Protein context (NP_001365383.1, residues 3116-3136): FLGPKSSLDF[Gln3126Arg]VVQPSLPDSN